The following continues an entry in ClinVar:

NM_000257.4(MYH7):c.189C>T (p.Thr63=)

Gene: MYH7. ClinVar aggregate classification (germline): Benign. Benign (1).

Submissions 22 to 29 of 29:

PreventionGenetics, part of Exact Sciences
Classification: Benign. Review status: criteria provided, single submitter. Criteria: ACMG Guidelines, 2015. Collection method: clinical testing. Allele origin: germline. Not counted in ClinVar's aggregate classification.

Clinical Genetics DNA and cytogenetics Diagnostics Lab, Erasmus MC, Erasmus Medical Center
Classification: Benign. Review status: no assertion criteria provided. Collection method: clinical testing. Allele origin: germline. Affected: yes. Study: VKGL Data-share Consensus. Not counted in ClinVar's aggregate classification.

Clinical Genetics, Academic Medical Center
Classification: Benign. Review status: no assertion criteria provided. Collection method: clinical testing. Allele origin: germline. Affected: yes. Study: VKGL Data-share Consensus. Not counted in ClinVar's aggregate classification.

Department of Pathology and Laboratory Medicine, Sinai Health System
Classification: Uncertain significance. Review status: no assertion criteria provided. Collection method: clinical testing. Allele origin: unknown. Affected: yes. Study: The Canadian Open Genetics Repository (COGR). Not counted in ClinVar's aggregate classification.
Comment: 13 reputable source/s reports the variant as benign, but the evidence is not available to the laboratory to perform an independent evaluation. Allele frequency is common in at least one population database (frequency: 62.844% in ExAC) based on the frequency threshold of 0.637% for this gene. Variant was observed in a homozygous state in population databases more than expected for disease. A synonymous variant not located in a splice region.

Diagnostic Laboratory, Department of Genetics, University Medical Center Groningen
Classification: Benign. Review status: no assertion criteria provided. Collection method: clinical testing. Allele origin: germline. Affected: yes. Study: VKGL Data-share Consensus. Not counted in ClinVar's aggregate classification.

Genome Diagnostics Laboratory, University Medical Center Utrecht
Classification: Benign. Review status: no assertion criteria provided. Collection method: clinical testing. Allele origin: germline. Affected: yes. Study: VKGL Data-share Consensus. Not counted in ClinVar's aggregate classification.

Joint Genome Diagnostic Labs from Nijmegen and Maastricht, Radboudumc and MUMC+
Classification: Benign. Review status: no assertion criteria provided. Collection method: clinical testing. Allele origin: germline. Affected: yes. Study: VKGL Data-share Consensus. Not counted in ClinVar's aggregate classification.

Genome-Nilou Lab
Classification: Benign for Myosin storage myopathy. Last evaluated: 2021-09-05. Review status: flagged submission. Criteria: ACMG Guidelines, 2015. Collection method: clinical testing. Allele origin: germline. Affected: no. Not counted in ClinVar's aggregate classification.
ClinVar note: Reason: This record appears to be redundant with a more recent record from the same submitter.
ClinVar note: Notes: SCV002016158 appears to be redundant with SCV002016160.

Literature cited by the submitters: PubMed 29300372 (cited by ClinGen Cardiomyopathy Variant Curation Expert Panel).